The following is an entry in ClinVar:

ClinVar aggregate classification (germline): Likely benign (0 of 4 stars; one submission).

Conditions:
CACNA2D3-related disorder. Also called: CACNA2D3-related condition.

Allele frequency attached by ClinVar (database versions not stated): gnomAD 0.00027; ESP Exome Variant Server 0.00057.
gnomAD v4.1: 774 of 1,613,742 alleles (0.048%); highest among the groups gnomAD compares: Non-Finnish European, 0.061%; 1 homozygote.

Submission:

PreventionGenetics, part of Exact Sciences
Classification: Likely benign for CACNA2D3-related condition. Last evaluated: 2021-08-19. Review status: no assertion criteria provided. Collection method: clinical testing. Allele origin: germline.
Comment: This variant is classified as likely benign based on ACMG/AMP sequence variant interpretation guidelines (Richards et al. 2015 PMID: 25741868, with internal and published modifications).

NM_018398.3(CACNA2D3):c.1419C>T (p.Pro473=)

Gene: CACNA2D3 (calcium voltage-gated channel auxiliary subunit alpha2delta 3; plus strand). Cytogenetic location: 3p14.3.
Variant type: single nucleotide variant.
Coding change: c.1419C>T on transcript NM_018398.3 (MANE Select); coding-DNA position 1419, C replaced by T.
Protein change: p.Pro473=; no amino-acid change (proline 473 retained).
Molecular consequence: synonymous variant.
Genome position (GRCh38, 1-based): chr3:54,837,179, C>T. VCF-style: chr3-54837179-C-T. GRCh37 (hg19) VCF-style: chr3-54871206-C-T.
Identifiers: ClinVar variation 3036480 (VCV003036480.2), dbSNP rs373771779, ClinGen allele CA2457751.